The following is an entry in ClinVar:

ClinVar aggregate classification (germline): Uncertain significance. Review status: criteria provided, multiple submitters, no conflicts (2 of 4 stars). 2 submissions from 2 submitters: Uncertain significance (2). Last evaluated 2025-10-07.

Conditions:
Spondyloepimetaphyseal dysplasia with joint laxity (SEMDJL). Identifiers: MedGen C0432243, MONDO:0019675.
Ehlers-Danlos syndrome, spondylodysplastic type, 2 (EDSSPD2). Also called: Ehlers-Danlos syndrome, progeroid type, 2. Identifiers: Orphanet 536467, Orphanet 75496, MedGen C3809210, MONDO:0014139, OMIM 615349.

Allele frequency attached by ClinVar (database versions not stated): gnomAD exomes below 0.00001; TOPMed below 0.00001; gnomAD 0.00001 and 0.00002.
gnomAD v4.1: 4 of 1,563,762 alleles (0.00026%); highest among the groups gnomAD compares: Admixed American, 0.0055%; no homozygotes.

Submissions (2):

Women's Health and Genetics/Laboratory Corporation of America, LabCorp
Classification: Uncertain significance. Last evaluated: 2025-10-07. Review status: criteria provided, single submitter. Criteria: LabCorp Variant Classification Summary - May 2015. Collection method: clinical testing. Allele origin: germline.
Comment: Variant summary: B3GALT6 c.829G>T (p.Val277Leu) results in a conservative amino acid change in the encoded protein sequence. Algorithms developed to predict the effect of missense changes on protein structure and function are either unavailable or do not agree on the potential impact of this missense change. The frequency data for this variant in gnomAD is considered unreliable, as metrics indicate poor data quality at this position. To our knowledge, no occurrence of c.829G>T in individuals affected with B3GALT6-related conditions and no experimental evidence demonstrating its impact on protein function have been reported. ClinVar contains an entry for this variant (Variation ID: 1439809). Based on the evidence outlined above, the variant was classified as uncertain significance.

Labcorp Genetics (formerly Invitae), Labcorp
Classification: Uncertain significance for Ehlers-Danlos syndrome, spondylodysplastic type, 2; Spondyloepimetaphyseal dysplasia with joint laxity. Last evaluated: 2021-08-26. Review status: criteria provided, single submitter. Criteria: Invitae Variant Classification Sherloc (09022015). Collection method: clinical testing. Allele origin: germline.
Comment: This sequence change replaces valine with leucine at codon 277 of the B3GALT6 protein (p.Val277Leu). The valine residue is highly conserved and there is a small physicochemical difference between valine and leucine. The frequency data for this variant in the population databases is considered unreliable, as metrics indicate insufficient coverage at this position in the ExAC database. This variant has not been reported in the literature in individuals affected with B3GALT6-related conditions. Algorithms developed to predict the effect of missense changes on protein structure and function are either unavailable or do not agree on the potential impact of this missense change (SIFT: "Deleterious"; PolyPhen-2: "Probably Damaging"; Align-GVGD: "Class C0"). In summary, the available evidence is currently insufficient to determine the role of this variant in disease. Therefore, it has been classified as a Variant of Uncertain Significance.

NM_080605.4(B3GALT6):c.829G>T (p.Val277Leu)

Gene: B3GALT6 (beta-1,3-galactosyltransferase 6; plus strand). Cytogenetic location: 1p36.33.
Variant type: single nucleotide variant.
Coding change: c.829G>T on transcript NM_080605.4 (MANE Select); coding-DNA position 829, G replaced by T.
Protein change: p.Val277Leu; replaces valine 277 with leucine.
Molecular consequence: missense variant.
Genome position (GRCh38, 1-based): chr1:1,233,107, G>T. VCF-style: chr1-1233107-G-T. GRCh37 (hg19) VCF-style: chr1-1168487-G-T.
Other names: short protein forms V277L.
Identifiers: ClinVar variation 1439809 (VCV001439809.7), dbSNP rs1216124589, ClinGen allele CA337829866.
Genomic context (GRCh38, chr1:1,233,107, plus strand): 5'-GAGCACGACCCGCGCTTCGACACCGAATACCGGTCCCGCGGCTGCAGCAACCAGTACCTG[G>T]TGACGCACAAGCAGAGCCTGGAGGACATGCTGGAGAAGCACGCGACGCTGGCGCGCGAGG-3'
Protein context (NP_542172.2, residues 267-287): RSRGCSNQYL[Val277Leu]THKQSLEDML